The following is an entry in ClinVar:

ClinVar aggregate classification (germline): Likely benign. Review status: criteria provided, multiple submitters, no conflicts (2 of 4 stars). 2 submissions from 2 submitters: Likely benign (2). Last evaluated 2025-07-20.

Conditions:
Generalized epilepsy with febrile seizures plus, type 9 (GEFSP9). Also called: GEFS+, TYPE 9. Identifiers: Orphanet 36387, MedGen C4015395, MONDO:0014517, OMIM 616172.

Allele frequency attached by ClinVar (database versions not stated): TOPMed 0.00001; gnomAD 0.00002; gnomAD exomes 0.00003; ExAC 0.00004.
gnomAD v4.1: 29 of 1,613,030 alleles (0.0018%); highest among the groups gnomAD compares: Non-Finnish European, 0.0024%; no homozygotes.

Submissions (2):

Labcorp Genetics (formerly Invitae), Labcorp
Classification: Likely benign for Generalized epilepsy with febrile seizures plus, type 9. Last evaluated: 2025-07-20. Review status: criteria provided, single submitter. Criteria: Invitae Variant Classification Sherloc (09022015). Collection method: clinical testing. Allele origin: germline.

CeGaT Center for Human Genetics Tuebingen
Classification: Likely benign. Last evaluated: 2022-06-01. Review status: criteria provided, single submitter. Criteria: CeGaT Center For Human Genetics Tuebingen Variant Classification Criteria Version 2. Collection method: clinical testing. Allele origin: germline. Affected: yes. Observed: 1 variant allele.
Comment: STX1B: BP4, BP7

NM_052874.5(STX1B):c.75G>A (p.Arg25=)

Gene: STX1B (syntaxin 1B; minus strand). Cytogenetic location: 16p11.2.
Variant type: single nucleotide variant.
Coding change: c.75G>A on transcript NM_052874.5 (MANE Select); coding-DNA position 75, G replaced by A.
Protein change: p.Arg25=; no amino-acid change (arginine 25 retained).
Molecular consequence: synonymous variant.
Genome position (GRCh38, 1-based): chr16:31,001,559, C>T on the plus strand (G>A on the coding strand, the complement: STX1B is on the minus strand). VCF-style: chr16-31001559-C-T. GRCh37 (hg19) VCF-style: chr16-31012880-C-T.
Identifiers: ClinVar variation 475341 (VCV000475341.42), dbSNP rs747223515, ClinGen allele CA8018510.